The following is an entry in ClinVar:

ClinVar aggregate classification (germline): Uncertain significance (1 of 4 stars; one submission).

Submission:

Labcorp Genetics (formerly Invitae), Labcorp
Classification: Uncertain significance. Last evaluated: 2022-08-27. Review status: criteria provided, single submitter. Criteria: Invitae Variant Classification Sherloc (09022015). Collection method: clinical testing. Allele origin: germline.
Comment: In summary, the available evidence is currently insufficient to determine the role of this variant in disease. Therefore, it has been classified as a Variant of Uncertain Significance. Algorithms developed to predict the effect of missense changes on protein structure and function are either unavailable or do not agree on the potential impact of this missense change (SIFT: "Deleterious"; PolyPhen-2: "Probably Damaging"; Align-GVGD: "Class C0"). This variant has not been reported in the literature in individuals affected with AGAP1-related conditions. This variant is not present in population databases (gnomAD no frequency). This sequence change replaces proline, which is neutral and non-polar, with histidine, which is basic and polar, at codon 461 of the AGAP1 protein (p.Pro461His).

NM_001037131.3(AGAP1):c.1541C>A (p.Pro514His)

Gene: AGAP1 (ArfGAP with GTPase domain, ankyrin repeat and PH domain 1; plus strand). Cytogenetic location: 2q37.2.
Variant type: single nucleotide variant.
Coding change: c.1541C>A on transcript NM_001037131.3 (MANE Select); coding-DNA position 1541, C replaced by A.
Protein change: p.Pro514His; replaces proline 514 with histidine.
Molecular consequence: missense variant.
Genome position (GRCh38, 1-based): chr2:235,968,519, C>A. VCF-style: chr2-235968519-C-A. GRCh37 (hg19) VCF-style: chr2-236877163-C-A.
Other names: c.1382C>A, p.Pro461His (NM_014914.5); short protein forms P514H, P461H.
Identifiers: ClinVar variation 2184077 (VCV002184077.4), dbSNP rs2469952768, ClinGen allele CA351166491.